The following is an entry in ClinVar:

ClinVar aggregate classification (germline): Pathogenic/Likely pathogenic. Review status: criteria provided, multiple submitters, no conflicts (2 of 4 stars). 7 submissions from 6 submitters: Pathogenic (5); Likely pathogenic (2). Last evaluated 2025-03-31.

Conditions:
Hereditary pancreatitis (PCTT). Also called: PRSS1-Related Hereditary Pancreatitis; Hereditary chronic pancreatitis. Identifiers: Orphanet 676, MedGen C0238339, MONDO:0008185, OMIM 167800.
Hereditary spastic paraplegia 7 (SPG7). Also called: SPG7-related neurologic disorder; SPASTIC PARAPLEGIA 7, AUTOSOMAL RECESSIVE, WITH OR WITHOUT CEREBELLAR ATAXIA; Spastic paraplegia 7; Hereditary spastic paraplegia Paraplegin type; Autosomal recessive spastic paraplegia type 7. Identifiers: Orphanet 99013, MedGen C1846564, MONDO:0011803, OMIM 607259.

Allele frequency attached by ClinVar (database versions not stated): gnomAD exomes 0.00001; gnomAD 0.00003 and 0.00004; TOPMed 0.00007; ESP Exome Variant Server 0.00008; ExAC 0.00001.
gnomAD v4.1: 11 of 1,613,336 alleles (0.00068%); highest among the groups gnomAD compares: African/African-American, 0.0093%; no homozygotes.

Submissions (7):

Department of Human Genetics, Hannover Medical School
Classification: Likely pathogenic for Hereditary spastic paraplegia 7. Last evaluated: 2025-03-31. Review status: criteria provided, single submitter. Criteria: ACMG Guidelines, 2015. Collection method: clinical testing. Allele origin: germline. Affected: yes.
Comment: ACMG: PM1_Supporting, PM2_Supporting, PM3, PP3_Moderate

Fulgent Genetics
Classification: Pathogenic for Hereditary spastic paraplegia 7. Last evaluated: 2024-03-20. Review status: criteria provided, single submitter. Criteria: ACMG Guidelines, 2015. Collection method: clinical testing. Allele origin: germline.

Women's Health and Genetics/Laboratory Corporation of America, LabCorp
Classification: Pathogenic for Hereditary pancreatitis. Last evaluated: 2024-03-19. Review status: criteria provided, single submitter. Criteria: LabCorp Variant Classification Summary - May 2015. Collection method: clinical testing. Allele origin: germline.

Women's Health and Genetics/Laboratory Corporation of America, LabCorp
Classification: Pathogenic for Hereditary spastic paraplegia 7. Last evaluated: 2024-03-19. Review status: criteria provided, single submitter. Criteria: LabCorp Variant Classification Summary - May 2015. Collection method: clinical testing. Allele origin: germline.
Comment: Variant summary: SPG7 c.2014G>A (p.Gly672Arg) results in a non-conservative amino acid change located in the Peptidase M41 domain (IPR000642) of the encoded protein sequence. Four of four in-silico tools predict a damaging effect of the variant on protein function. The variant allele was found at a frequency of 8e-06 in 250784 control chromosomes. c.2014G>A has been reported in the literature in at-least four individuals affected with Hereditary Spastic Paraplegia 7 and in each case, it was seen at a compound heterozygous state with different pathogenic variants (example, Almomen_2019, Benkirane_2021, van Gassen_2012). These data indicate that the variant is very likely to be associated with disease. To our knowledge, no experimental evidence demonstrating an impact on protein function has been reported. The following publications have been ascertained in the context of this evaluation (PMID: 30747022, 34234304, 22964162). ClinVar contains an entry for this variant (Variation ID: 533739). Based on the evidence outlined above, the variant was classified as pathogenic.

Laboratorio de Genetica e Diagnostico Molecular, Hospital Israelita Albert Einstein
Classification: Pathogenic for Hereditary spastic paraplegia 7. Last evaluated: 2023-09-13. Review status: criteria provided, single submitter. Criteria: ACMG Guidelines, 2015. Collection method: clinical testing. Allele origin: germline. Affected: yes.
Comment: ACMG classification criteria: PM2 moderate, PM3 very strong, PP3 supporting

Labcorp Genetics (formerly Invitae), Labcorp
Classification: Pathogenic for Hereditary spastic paraplegia 7. Last evaluated: 2022-11-01. Review status: criteria provided, single submitter. Criteria: Invitae Variant Classification Sherloc (09022015). Collection method: clinical testing. Allele origin: germline.
Comment: This variant is present in population databases (rs369503365, gnomAD 0.008%). This missense change has been observed in individuals with hereditary spastic paraplegia (PMID: 18799786, 22964162, 29246610, 30747022). ClinVar contains an entry for this variant (Variation ID: 533739). Advanced modeling of protein sequence and biophysical properties (such as structural, functional, and spatial information, amino acid conservation, physicochemical variation, residue mobility, and thermodynamic stability) performed at Invitae indicates that this missense variant is expected to disrupt SPG7 protein function. For these reasons, this variant has been classified as Pathogenic. This sequence change replaces glycine, which is neutral and non-polar, with arginine, which is basic and polar, at codon 672 of the SPG7 protein (p.Gly672Arg).

PROSPAX: an integrated multimodal progression  chart in spastic ataxias, Center for Neurology; Hertie-Institute for Clinical Brain Research
Classification: Likely pathogenic for Hereditary spastic paraplegia 7. Last evaluated: 2022-01-01. Review status: criteria provided, single submitter. Criteria: ACMG Guidelines, 2015. Collection method: research. Allele origin: germline. Affected: yes. Observed: 1 variant allele, 1 compound heterozygote.

Literature cited by the submitters: PubMed 22964162 (cited by Women's Health and Genetics/Laboratory Corporation of America, LabCorp and Labcorp Genetics (formerly Invitae), Labcorp); PubMed 34234304 (cited by Women's Health and Genetics/Laboratory Corporation of America, LabCorp); PubMed 30747022 (cited by Women's Health and Genetics/Laboratory Corporation of America, LabCorp and Labcorp Genetics (formerly Invitae), Labcorp); PubMed 18799786 (cited by Labcorp Genetics (formerly Invitae), Labcorp); PubMed 29246610 (cited by Labcorp Genetics (formerly Invitae), Labcorp).

NM_003119.4(SPG7):c.2014G>A (p.Gly672Arg)

Gene: SPG7 (SPG7 matrix AAA peptidase subunit, paraplegin; plus strand). Cytogenetic location: 16q24.3.
Variant type: single nucleotide variant.
Coding change: c.2014G>A on transcript NM_003119.4 (MANE Select); coding-DNA position 2014, G replaced by A.
Protein change: p.Gly672Arg; replaces glycine 672 with arginine.
Molecular consequence: missense variant.
Genome position (GRCh38, 1-based): chr16:89,553,871, G>A. VCF-style: chr16-89553871-G-A. GRCh37 (hg19) VCF-style: chr16-89620279-G-A.
Other names: c.2014G>A, p.Gly672Arg (NM_001363850.1); short protein forms G672R.
Identifiers: ClinVar variation 533739 (VCV000533739.16), dbSNP rs369503365, ClinGen allele CA8244506.